The following is an entry in ClinVar:

ClinVar aggregate classification (germline): Likely pathogenic. Review status: criteria provided, single submitter (1 of 4 stars). 2 submissions from 2 submitters: Likely pathogenic (1). 1 of the submissions does not count toward it.

Conditions:
Upshaw-Schulman syndrome (TTP). Also called: Congenital thrombotic thrombocytopenic purpura; THROMBOTIC THROMBOCYTOPENIC PURPURA, HEREDITARY. Identifiers: Orphanet 93583, MedGen C1268935, MONDO:0010122, OMIM 274150.

Submissions (2):

ISTH-SSC Genomics in Thrombosis and Hemostasis, KU Leuven, Center for Molecular and Vascular Biology
Classification: Likely pathogenic for Upshaw-Schulman syndrome. Review status: criteria provided, single submitter. Criteria: ACMG Guidelines, 2015. Collection method: clinical testing. Allele origin: germline. Affected: yes. Observed: 1 homozygote.
Comment: Submitted to the GoldVariant database by Kathleen Freson, Center for Molecular and Vascular Biology

UniProtKB/Swiss-Prot
No classification provided. Review status: no classification provided. Collection method: not provided. Allele origin: not provided. Not counted in ClinVar's aggregate classification.

NM_139027.6(ADAMTS13):c.703G>C (p.Asp235His)

Gene: ADAMTS13 (ADAM metallopeptidase with thrombospondin type 1 motif 13; plus strand). Cytogenetic location: 9q34.2.
Variant type: single nucleotide variant.
Coding change: c.703G>C on transcript NM_139027.6 (MANE Select); coding-DNA position 703, G replaced by C.
Protein change: p.Asp235His; replaces aspartic acid 235 with histidine.
Molecular consequence: missense variant.
Genome position (GRCh38, 1-based): chr9:133,428,650, G>C. VCF-style: chr9-133428650-G-C. GRCh37 (hg19) VCF-style: chr9-136293770-G-C.
Other names: c.703G>C, p.Asp235His (NM_139025.5, NM_139026.6); short protein forms D235H.
Identifiers: ClinVar variation 68827 (VCV000068827.2), dbSNP rs281875337, ClinGen allele CA220059.
Genomic context (GRCh38, chr9:133,428,650, plus strand): 5'-GCCCCTGCCGGCCGCCTTAGCGCAACTCCCCGCCCCCCGACCAGCTTCGGCCTGGAGCAC[G>C]ACGGCGCGCCCGGCAGCGGCTGCGGCCCCAGCGGACACGTGATGGCTTCGGACGGCGCCG-3'
Protein context (NP_620596.2, residues 225-245): EIGHSFGLEH[Asp235His]GAPGSGCGPS